The following is an entry in ClinVar:

NM_000090.4(COL3A1):c.1067C>T (p.Ala356Val)

Gene: COL3A1 (collagen type III alpha 1 chain; plus strand). Cytogenetic location: 2q32.2.
Variant type: single nucleotide variant.
Coding change: c.1067C>T on transcript NM_000090.4 (MANE Select); coding-DNA position 1067, C replaced by T.
Protein change: p.Ala356Val; replaces alanine 356 with valine.
Molecular consequence: missense variant.
Genome position (GRCh38, 1-based): chr2:188,993,377, C>T. VCF-style: chr2-188993377-C-T. GRCh37 (hg19) VCF-style: chr2-189858103-C-T.
Other names: short protein forms A356V.
Identifiers: ClinVar variation 3386443 (VCV003386443.1).

ClinVar aggregate classification (germline): Uncertain significance (1 of 4 stars; one submission).

Conditions:
Ehlers-Danlos syndrome, type 4 (EDSVASC). Also called: Ehlers-Danlos syndrome vascular type; Ehlers Danlos syndrome, ecchymotic type; Ehlers Danlos syndrome, arterial type; Ehlers Danlos syndrome, Sack-Barabas type; Ehlers-Danlos Syndrome Type IV. Identifiers: Orphanet 286, MedGen C0268338, MONDO:0017314, OMIM 130050.

Submission:

All of Us Research Program, National Institutes of Health
Classification: Uncertain significance for Ehlers-Danlos syndrome, type 4. Last evaluated: 2024-04-25. Review status: criteria provided, single submitter. Criteria: ACMG Guidelines, 2015. Collection method: clinical testing. Allele origin: germline. Inheritance: Autosomal dominant inheritance. Observed: 1 variant allele, 1 heterozygote.
Comment: This missense variant replaces alanine with valine at codon 356 of the COL3A1 protein. Computational prediction suggests that this variant may not impact protein structure and function (internally defined REVEL score threshold <= 0.5, PMID: 27666373). To our knowledge, functional studies have not been reported for this variant. This variant has not been reported in individuals affected with COL3A1-related disorders in the literature. This variant has not been identified in the general population by the Genome Aggregation Database (gnomAD). The available evidence is insufficient to determine the role of this variant in disease conclusively. Therefore, this variant is classified as a Variant of Uncertain Significance.

This study involves interpretation of variants in research participants for the purpose of population health screening. Participant phenotype was not available at the time of variant classification. Additional details can be found in publication PMID: 35346344, PMCID: PMC8962531